The following is an entry in ClinVar:

ClinVar aggregate classification (germline): Benign (1 of 4 stars; one submission).

Allele frequency attached by ClinVar (database versions not stated): 1000 Genomes Project 30x 0.88273; 1000 Genomes Project 0.88838; TOPMed 0.89137.
gnomAD v4.1: 137,510 of 152,242 alleles (90%); highest among the groups gnomAD compares: East Asian, 100%; 62,618 homozygotes.

Submission:

GeneDx
Classification: Benign. Last evaluated: 2018-06-14. Review status: criteria provided, single submitter. Criteria: GeneDx Variant Classification (06012015). Collection method: clinical testing. Allele origin: germline. Affected: yes.
Comment: This variant is considered likely benign or benign based on one or more of the following criteria: it is a conservative change, it occurs at a poorly conserved position in the protein, it is predicted to be benign by multiple in silico algorithms, and/or has population frequency not consistent with disease.

NM_022124.6(CDH23):c.2290-240C>G

Gene: CDH23 (cadherin related 23; plus strand). Cytogenetic location: 10q22.1.
Variant type: single nucleotide variant.
Coding change: c.2290-240C>G on transcript NM_022124.6 (MANE Select); 240 bases into the intron before coding-DNA position 2290, C replaced by G.
Molecular consequence: intron variant.
Genome position (GRCh38, 1-based): chr10:71,695,178, C>G. VCF-style: chr10-71695178-C-G. GRCh37 (hg19) VCF-style: chr10-73454935-C-G.
Other names: c.2290-240C>G (NM_001171930.2, NM_001171931.2).
Identifiers: ClinVar variation 678771 (VCV000678771.1), dbSNP rs1227075, ClinGen allele CA209445983.